The following is an entry in ClinVar:

NM_005618.4(DLL1):c.2022G>C (p.Glu674Asp)

Genes: DLL1 (delta like canonical Notch ligand 1; minus strand), LOC126859913 (P300/CBP strongly-dependent group 1 enhancer GRCh37_chr6:170591232-170592431; plus strand). Cytogenetic location: 6q27.
Variant type: single nucleotide variant.
Coding change: c.2022G>C on transcript NM_005618.4 (MANE Select); coding-DNA position 2022, G replaced by C.
Protein change: p.Glu674Asp; replaces glutamic acid 674 with aspartic acid.
Molecular consequence: missense variant.
Genome position (GRCh38, 1-based): chr6:170,283,257, C>G on the plus strand (G>C on the coding strand, the complement: DLL1 is on the minus strand). VCF-style: chr6-170283257-C-G. GRCh37 (hg19) VCF-style: chr6-170592345-C-G.
Other names: short protein forms E674D.
Identifiers: ClinVar variation 1925216 (VCV001925216.5), dbSNP rs751703551, ClinGen allele CA4106655.
Genomic context (GRCh38, chr6:170,283,257, plus strand): 5'-TACCCCCTCCTGATGCCCGGCCCGCAGCACGCACCCCCTGAGTGTGGTCGGGGTCCCCTT[C>G]TCCTCCCCTGAGGAGCCCTGGGGCTGGCACTTGGTGTCACGCTTGCTGTGCGCGTCCCTG-3'
Protein context (NP_005609.3, residues 664-684): KCQPQGSSGE[Glu674Asp]KGTPTTLRGG

ClinVar aggregate classification (germline): Uncertain significance (1 of 4 stars; one submission).

Allele frequency attached by ClinVar (database versions not stated): ExAC 0.00001; gnomAD 0.00001.
gnomAD v4.1: 3 of 1,612,722 alleles (0.00019%); highest among the groups gnomAD compares: Non-Finnish European, 0.00025%; no homozygotes.

Submission:

Labcorp Genetics (formerly Invitae), Labcorp
Classification: Uncertain significance. Last evaluated: 2022-07-27. Review status: criteria provided, single submitter. Criteria: Invitae Variant Classification Sherloc (09022015). Collection method: clinical testing. Allele origin: germline.
Comment: Algorithms developed to predict the effect of missense changes on protein structure and function output the following: SIFT: "Tolerated"; PolyPhen-2: "Benign"; Align-GVGD: "Class C0". The aspartic acid amino acid residue is found in multiple mammalian species, which suggests that this missense change does not adversely affect protein function. In summary, the available evidence is currently insufficient to determine the role of this variant in disease. Therefore, it has been classified as a Variant of Uncertain Significance. This variant has not been reported in the literature in individuals affected with DLL1-related conditions. This variant is present in population databases (rs751703551, gnomAD 0.002%). This sequence change replaces glutamic acid, which is acidic and polar, with aspartic acid, which is acidic and polar, at codon 674 of the DLL1 protein (p.Glu674Asp).